The following is an entry in ClinVar:

NM_005609.4(PYGM):c.1600G>T (p.Asp534Tyr)

Gene: PYGM (glycogen phosphorylase, muscle associated; minus strand). Cytogenetic location: 11q13.1.
Variant type: single nucleotide variant.
Coding change: c.1600G>T on transcript NM_005609.4 (MANE Select); coding-DNA position 1600, G replaced by T.
Protein change: p.Asp534Tyr; replaces aspartic acid 534 with tyrosine.
Molecular consequence: missense variant.
Genome position (GRCh38, 1-based): chr11:64,752,423, C>A on the plus strand (G>T on the coding strand, the complement: PYGM is on the minus strand). VCF-style: chr11-64752423-C-A. GRCh37 (hg19) VCF-style: chr11-64519895-C-A.
Other names: c.1336G>T, p.Asp446Tyr (NM_001164716.1); short protein forms D446Y, D534Y.
Identifiers: ClinVar variation 2435319 (VCV002435319.7), dbSNP rs746031643, ClinGen allele CA223899374.
Genomic context (GRCh38, chr11:64,752,423, plus strand): 5'-TCCACACAGCACAGCTGTCCCACATTGCATCTCTCCCCACCTGCTTCACTTTGGCCACAT[C>A]CCGAATGAAAGCTTCATCATCCACAAAGGAGAGCAGTTTGCGCAGCTGGTCCAGGTCAGA-3'
Protein context (NP_005600.1, residues 524-544): SFVDDEAFIR[Asp534Tyr]VAKVKQENKL

ClinVar aggregate classification (germline): Uncertain significance. Review status: criteria provided, multiple submitters, no conflicts (2 of 4 stars). 3 submissions from 3 submitters: Uncertain significance (3). Last evaluated 2024-09-16.

Conditions:
Glycogen storage disease, type V (GSD5). Also called: MCARDLE DISEASE; MUSCLE GLYCOGEN PHOSPHORYLASE DEFICIENCY; MYOPHOSPHORYLASE DEFICIENCY; PYGM DEFICIENCY; McArdle type glycogen storage disease. Identifiers: Orphanet 368, MedGen C0017924, MONDO:0009293, OMIM 232600.

Allele frequency attached by ClinVar (database versions not stated): gnomAD exomes 0.00001.
gnomAD v4.1: 6 of 1,614,214 alleles (0.00037%); highest among the groups gnomAD compares: Non-Finnish European, 0.00051%; no homozygotes.

Submissions (3):

Labcorp Genetics (formerly Invitae), Labcorp
Classification: Uncertain significance for Glycogen storage disease, type V. Last evaluated: 2024-09-16. Review status: criteria provided, single submitter. Criteria: Invitae Variant Classification Sherloc (09022015). Collection method: clinical testing. Allele origin: germline.
Comment: This sequence change replaces aspartic acid, which is acidic and polar, with tyrosine, which is neutral and polar, at codon 534 of the PYGM protein (p.Asp534Tyr). This variant is not present in population databases (gnomAD no frequency). This variant has not been reported in the literature in individuals affected with PYGM-related conditions. ClinVar contains an entry for this variant (Variation ID: 2435319). Invitae Evidence Modeling of protein sequence and biophysical properties (such as structural, functional, and spatial information, amino acid conservation, physicochemical variation, residue mobility, and thermodynamic stability) has been performed for this missense variant. However, the output from this modeling did not meet the statistical confidence thresholds required to predict the impact of this variant on PYGM protein function. Algorithms developed to predict the effect of sequence changes on RNA splicing suggest that this variant may disrupt the consensus splice site. In summary, the available evidence is currently insufficient to determine the role of this variant in disease. Therefore, it has been classified as a Variant of Uncertain Significance.

Fulgent Genetics
Classification: Uncertain significance for Glycogen storage disease, type V. Last evaluated: 2024-03-13. Review status: criteria provided, single submitter. Criteria: ACMG Guidelines, 2015. Collection method: clinical testing. Allele origin: germline.

Revvity Omics, Revvity
Classification: Uncertain significance for Glycogen storage disease, type V. Last evaluated: 2021-06-14. Review status: criteria provided, single submitter. Criteria: ACMG Guidelines, 2015. Collection method: clinical testing. Allele origin: germline.